The following is an entry in ClinVar:

ClinVar aggregate classification (germline): Uncertain significance (1 of 4 stars; one submission).

Conditions:
Cardiovascular phenotype. Identifiers: MedGen CN230736.

gnomAD v4.1: 17 of 1,614,046 alleles (0.0011%); highest among the groups gnomAD compares: Non-Finnish European, 0.0014%; no homozygotes.

Submission:

Ambry Genetics
Classification: Uncertain significance for Cardiovascular phenotype. Last evaluated: 2025-08-06. Review status: criteria provided, single submitter. Criteria: Ambry Variant Classification Scheme 2023. Collection method: clinical testing. Allele origin: germline.
Comment: The p.G42V variant (also known as c.125G>T), located in coding exon 2 of the ABCG8 gene, results from a G to T substitution at nucleotide position 125. The glycine at codon 42 is replaced by valine, an amino acid with dissimilar properties. This amino acid position is conserved. In addition, this alteration is predicted to be deleterious by in silico analysis. Based on the available evidence, the clinical significance of this variant remains unclear.

NM_022437.3(ABCG8):c.125G>T (p.Gly42Val)

Gene: ABCG8 (ATP binding cassette subfamily G member 8; plus strand). Cytogenetic location: 2p21.
Variant type: single nucleotide variant.
Coding change: c.125G>T on transcript NM_022437.3 (MANE Select); coding-DNA position 125, G replaced by T.
Protein change: p.Gly42Val; replaces glycine 42 with valine.
Molecular consequence: missense variant.
Genome position (GRCh38, 1-based): chr2:43,844,568, G>T. VCF-style: chr2-43844568-G-T. GRCh37 (hg19) VCF-style: chr2-44071707-G-T.
Other names: c.125G>T, p.Gly42Val (NM_001357321.2); short protein forms G42V.
Identifiers: ClinVar variation 4150735 (VCV004150735.1).
Genomic context (GRCh38, chr2:43,844,568, plus strand): 5'-GCCTCCAGGATAGATTGTTCTCCTCTGAAAGTGACAACAGCCTGTACTTCACCTACAGTG[G>T]CCAGCCCAACACCCTGGAGGTCAGAGACCTCAACTACCAGGTAGAGGCACGCCTGGGTTC-3'
Protein context (NP_071882.1, residues 32-52): SDNSLYFTYS[Gly42Val]QPNTLEVRDL